The following is an entry in ClinVar:

NM_024658.4(IPO4):c.1545G>A (p.Leu515=)

Gene: IPO4 (importin 4; minus strand). Cytogenetic location: 14q12.
Variant type: single nucleotide variant.
Coding change: c.1545G>A on transcript NM_024658.4 (MANE Select); coding-DNA position 1545, G replaced by A.
Protein change: p.Leu515=; no amino-acid change (leucine 515 retained).
Molecular consequence: synonymous variant. On other transcripts: non-coding transcript variant (1).
Genome position (GRCh38, 1-based): chr14:24,184,741, C>T on the plus strand (G>A on the coding strand, the complement: IPO4 is on the minus strand). VCF-style: chr14-24184741-C-T. GRCh37 (hg19) VCF-style: chr14-24653947-C-T.
Identifiers: ClinVar variation 2644133 (VCV002644133.24), dbSNP rs199521914, ClinGen allele CA7128028.

ClinVar aggregate classification (germline): Likely benign (1 of 4 stars; one submission).

Allele frequency attached by ClinVar (database versions not stated): 1000 Genomes Project 30x 0.00094; 1000 Genomes Project 0.00120; TOPMed 0.00198; ESP Exome Variant Server 0.00256; gnomAD 0.00265; ExAC 0.00285; gnomAD exomes 0.00331.
gnomAD v4.1: 5,142 of 1,612,854 alleles (0.32%); highest among the groups gnomAD compares: Non-Finnish European, 0.36%; 11 homozygotes.

Submission:

CeGaT Center for Human Genetics Tuebingen
Classification: Likely benign. Last evaluated: 2023-03-01. Review status: criteria provided, single submitter. Criteria: CeGaT Center For Human Genetics Tuebingen Variant Classification Criteria Version 2. Collection method: clinical testing. Allele origin: germline. Affected: yes. Observed: 1 variant allele.
Comment: IPO4: BP4, BP7